The following is an entry in ClinVar:

NM_001267550.2(TTN):c.32012-54C>T

Gene: TTN (titin; minus strand). Cytogenetic location: 2q31.2.
Variant type: single nucleotide variant.
Coding change: c.32012-54C>T on transcript NM_001267550.2 (MANE Select); 54 bases into the intron before coding-DNA position 32012, C replaced by T.
Molecular consequence: intron variant.
Genome position (GRCh38, 1-based): chr2:178,689,190, G>A on the plus strand (C>T on the coding strand, the complement: TTN is on the minus strand). VCF-style: chr2-178689190-G-A. GRCh37 (hg19) VCF-style: chr2-179553917-G-A.
Other names: c.13283-46873C>T (NM_003319.4); c.13859-46873C>T (NM_133437.4); c.13658-46873C>T (NM_133432.3); c.28280-54C>T (NM_133378.4); c.31061-54C>T (NM_001256850.1).
Identifiers: ClinVar variation 671274 (VCV000671274.2), dbSNP rs2627038, ClinGen allele CA11203791.

ClinVar aggregate classification (germline): Benign. Review status: criteria provided, multiple submitters, no conflicts (2 of 4 stars). 2 submissions from 2 submitters: Benign (2). Last evaluated 2018-06-15.

Allele frequency attached by ClinVar (database versions not stated): gnomAD exomes 0.08634; ESP Exome Variant Server 0.18046; gnomAD 0.20113 and 0.20321; TOPMed 0.21649; 1000 Genomes Project 0.26158; 1000 Genomes Project 30x 0.26608.
gnomAD v4.1: 155,743 of 1,587,678 alleles (9.8%); highest among the groups gnomAD compares: African/African-American, 47%; 15,762 homozygotes.

Submissions (2):

GeneDx
Classification: Benign. Last evaluated: 2018-06-15. Review status: criteria provided, single submitter. Criteria: GeneDx Variant Classification (06012015). Collection method: clinical testing. Allele origin: germline. Affected: yes.
Comment: This variant is considered likely benign or benign based on one or more of the following criteria: it is a conservative change, it occurs at a poorly conserved position in the protein, it is predicted to be benign by multiple in silico algorithms, and/or has population frequency not consistent with disease.

Breakthrough Genomics
Classification: Benign. Review status: criteria provided, single submitter. Criteria: ACMG Guidelines, 2015. Collection method: not provided. Allele origin: germline. Inheritance: Autosomal recessive inheritance. Affected: yes.